The following is an entry in ClinVar:

ClinVar aggregate classification (germline): Uncertain significance (1 of 4 stars; one submission).

Conditions:
Infantile neuroaxonal dystrophy (NBIA2A). Also called: NEURODEGENERATION WITH BRAIN IRON ACCUMULATION 2A; SEITELBERGER DISEASE; Infantile neuroaxonal dystrophy 1. Identifiers: Orphanet 35069, MedGen C0270724, MONDO:0024457, OMIM 256600.

Submission:

Labcorp Genetics (formerly Invitae), Labcorp
Classification: Uncertain significance for Infantile neuroaxonal dystrophy. Last evaluated: 2022-06-04. Review status: criteria provided, single submitter. Criteria: Invitae Variant Classification Sherloc (09022015). Collection method: clinical testing. Allele origin: germline.
Comment: This variant results in a copy number gain of the genomic region encompassing exon(s) 15-17 of the PLA2G6 gene. This region includes the termination codon of the gene. This copy number gain extends beyond the assayed region for this gene and therefore may encompass additional genes. As the precise location of this event is unknown, it may be in tandem or it may be located elsewhere in the genome. This variant has not been reported in the literature in individuals affected with PLA2G6-related conditions. Experimental studies and prediction algorithms are not available or were not evaluated, and the functional significance of this variant is currently unknown. In summary, the available evidence is currently insufficient to determine the role of this variant in disease. Therefore, it has been classified as a Variant of Uncertain Significance.

NC_000022.10:g.(?_38508168)_(38509681_?)dup

Gene: PLA2G6 (phospholipase A2 group VI; minus strand). Cytogenetic location: 22q13.1.
Variant type: Duplication.
Identifiers: ClinVar variation 1410832 (VCV001410832.4).